The following is an entry in ClinVar:

NM_001199107.2(TBC1D24):c.1571G>A (p.Arg524Gln)

Gene: TBC1D24 (TBC1 domain family member 24; plus strand). Cytogenetic location: 16p13.3.
Variant type: single nucleotide variant.
Coding change: c.1571G>A on transcript NM_001199107.2 (MANE Select); coding-DNA position 1571, G replaced by A.
Protein change: p.Arg524Gln; replaces arginine 524 with glutamine.
Molecular consequence: missense variant.
Genome position (GRCh38, 1-based): chr16:2,500,849, G>A. VCF-style: chr16-2500849-G-A. GRCh37 (hg19) VCF-style: chr16-2550850-G-A.
Other names: c.1553G>A, p.Arg518Gln (NM_020705.3); short protein forms R518Q, R524Q.
Identifiers: ClinVar variation 663121 (VCV000663121.13), dbSNP rs758997013, ClinGen allele CA7844348.

ClinVar aggregate classification (germline): Conflicting classifications of pathogenicity. Review status: criteria provided, conflicting classifications (1 of 4 stars). 5 submissions from 5 submitters: Uncertain significance (4); Likely benign (1). Last evaluated 2025-05-05.

Conditions:
TBC1D24-related disorder. Also called: TBC1D24-related disorders; TBC1D24-related condition. Identifiers: MedGen CN381194.
Developmental and epileptic encephalopathy, 1 (DEE1). Also called: X-linked infantile spasms; West's syndrome; Tonic spasms with clustering, arrest of psychomotor development and hypsarrhythmia on EEG; X-Linked Infantile Spasm Syndrome; OHTAHARA SYNDROME, X-LINKED; Epileptic encephalopathy, early infantile, 1. Identifiers: MedGen C3463992, MONDO:0010632, OMIM 308350. Disease mechanism: loss of function.
Autosomal dominant nonsyndromic hearing loss 65. Also called: TBC1D24-Related Autosomal Dominant Nonsyndromic Hearing Loss (DFNA); Deafness, autosomal dominant 65. Identifiers: Orphanet 90635, MedGen C3892048, MONDO:0014470, OMIM 616044.
Inborn genetic diseases. Identifiers: MedGen C0950123, MeSH D030342.

Allele frequency attached by ClinVar (database versions not stated): ExAC 0.00001; gnomAD 0.00001 and 0.00002; gnomAD exomes 0.00001; TOPMed 0.00002.
gnomAD v4.1: 11 of 1,609,830 alleles (0.00068%); highest among the groups gnomAD compares: East Asian, 0.0067%; no homozygotes.

Submissions (5):

Labcorp Genetics (formerly Invitae), Labcorp
Classification: Uncertain significance for Developmental and epileptic encephalopathy, 1; Autosomal dominant nonsyndromic hearing loss 65. Last evaluated: 2025-05-05. Review status: criteria provided, single submitter. Criteria: Invitae Variant Classification Sherloc (09022015). Collection method: clinical testing. Allele origin: germline.
Comment: This sequence change replaces arginine, which is basic and polar, with glutamine, which is neutral and polar, at codon 524 of the TBC1D24 protein (p.Arg524Gln). This variant is present in population databases (rs758997013, gnomAD 0.02%). This variant has not been reported in the literature in individuals affected with TBC1D24-related conditions. ClinVar contains an entry for this variant (Variation ID: 663121). Invitae Evidence Modeling of protein sequence and biophysical properties (such as structural, functional, and spatial information, amino acid conservation, physicochemical variation, residue mobility, and thermodynamic stability) indicates that this missense variant is not expected to disrupt TBC1D24 protein function with a negative predictive value of 95%. In summary, the available evidence is currently insufficient to determine the role of this variant in disease. Therefore, it has been classified as a Variant of Uncertain Significance.

PreventionGenetics, part of Exact Sciences
Classification: Uncertain significance for TBC1D24-related condition. Last evaluated: 2025-04-19. Review status: criteria provided, single submitter. Criteria: ACMG Guidelines, 2015. Collection method: clinical testing. Allele origin: germline.
Comment: The TBC1D24 c.1571G>A variant is predicted to result in the amino acid substitution p.Arg524Gln. To our knowledge, this variant has not been reported in the literature. This variant is reported in 0.015% of alleles in individuals of East Asian descent in gnomAD. At this time, the clinical significance of this variant is uncertain due to the absence of conclusive functional and genetic evidence.

Blueprint Genetics
Classification: Uncertain significance. Last evaluated: 2024-01-12. Review status: criteria provided, single submitter. Criteria: ACMG Guidelines, 2015. Collection method: clinical testing. Allele origin: germline.

Ambry Genetics
Classification: Likely benign for Inborn genetic diseases. Last evaluated: 2024-01-02. Review status: criteria provided, single submitter. Criteria: Ambry Variant Classification Scheme 2023. Collection method: clinical testing. Allele origin: germline.

GeneDx
Classification: Uncertain significance. Last evaluated: 2020-06-08. Review status: criteria provided, single submitter. Criteria: GeneDx Variant Classification Process June 2021. Collection method: clinical testing. Allele origin: germline. Affected: yes.
Comment: In silico analysis supports that this missense variant does not alter protein structure/function; Has not been previously published as pathogenic or benign to our knowledge

Literature cited by the submitters: PubMed 36413997 (cited by Ambry Genetics).